The following is an entry in ClinVar:

ClinVar aggregate classification (germline): Uncertain significance. Review status: criteria provided, multiple submitters, no conflicts (2 of 4 stars). 3 submissions from 3 submitters: Uncertain significance (2). 1 of the submissions does not count toward it. Last evaluated 2025-01-18.

Conditions:
IMPG2-related disorder. Also called: IMPG2-related condition.
Inborn genetic diseases. Identifiers: MedGen C0950123, MeSH D030342.

gnomAD v4.1: 37 of 1,613,796 alleles (0.0023%); highest among the groups gnomAD compares: African/African-American, 0.017%; no homozygotes.

Submissions (3):

Ambry Genetics
Classification: Uncertain significance for Inborn genetic diseases. Last evaluated: 2025-01-18. Review status: criteria provided, single submitter. Criteria: Ambry Variant Classification Scheme 2023. Collection method: clinical testing. Allele origin: germline.

Blueprint Genetics
Classification: Uncertain significance. Last evaluated: 2022-11-14. Review status: criteria provided, single submitter. Criteria: ACMG Guidelines, 2015. Collection method: clinical testing. Allele origin: germline.

PreventionGenetics, part of Exact Sciences
Classification: Uncertain significance for IMPG2-related condition. Last evaluated: 2024-09-13. Review status: no assertion criteria provided. Collection method: clinical testing. Allele origin: germline. Not counted in ClinVar's aggregate classification.
Comment: The IMPG2 c.619G>A variant is predicted to result in the amino acid substitution p.Ala207Thr. To our knowledge, this variant has not been reported in the literature. This variant is reported in 0.020% of alleles in individuals of African descent in gnomAD. At this time, the clinical significance of this variant is uncertain due to the absence of conclusive functional and genetic evidence.

NM_016247.4(IMPG2):c.619G>A (p.Ala207Thr)

Gene: IMPG2 (interphotoreceptor matrix proteoglycan 2; minus strand). Cytogenetic location: 3q12.3.
Variant type: single nucleotide variant.
Coding change: c.619G>A on transcript NM_016247.4 (MANE Select); coding-DNA position 619, G replaced by A.
Protein change: p.Ala207Thr; replaces alanine 207 with threonine.
Molecular consequence: missense variant.
Genome position (GRCh38, 1-based): chr3:101,275,710, C>T on the plus strand (G>A on the coding strand, the complement: IMPG2 is on the minus strand). VCF-style: chr3-101275710-C-T. GRCh37 (hg19) VCF-style: chr3-100994554-C-T.
Other names: short protein forms A207T.
Identifiers: ClinVar variation 3351275 (VCV003351275.3).